The following is an entry in ClinVar:

NM_001113378.2(FANCI):c.3832C>T (p.His1278Tyr)

Gene: FANCI (FA complementation group I; plus strand). Cytogenetic location: 15q26.1.
Variant type: single nucleotide variant.
Coding change: c.3832C>T on transcript NM_001113378.2 (MANE Select); coding-DNA position 3832, C replaced by T.
Protein change: p.His1278Tyr; replaces histidine 1278 with tyrosine.
Molecular consequence: missense variant.
Genome position (GRCh38, 1-based): chr15:89,315,297, C>T. VCF-style: chr15-89315297-C-T. GRCh37 (hg19) VCF-style: chr15-89858528-C-T.
Other names: c.3553C>T, p.His1185Tyr (NM_001376910.1); c.3832C>T, p.His1278Tyr (NM_001376911.1); c.3652C>T, p.His1218Tyr (NM_018193.3); short protein forms H1278Y, H1218Y, H1185Y.
Identifiers: ClinVar variation 456218 (VCV000456218.12), dbSNP rs776134519, ClinGen allele CA7723932.

ClinVar aggregate classification (germline): Uncertain significance. Review status: criteria provided, multiple submitters, no conflicts (2 of 4 stars). 3 submissions from 3 submitters: Uncertain significance (3). Last evaluated 2025-08-27.

Conditions:
Inborn genetic diseases. Identifiers: MedGen C0950123, MeSH D030342.
Fanconi anemia (FA). Also called: Fanconi's anemia. Identifiers: Orphanet 84, MedGen C0015625, MeSH D005199, MONDO:0019391.
Fanconi anemia complementation group I (FANCI). Also called: FANCI-Related Fanconi Anemia. Identifiers: Orphanet 84, MedGen C1836861, MONDO:0012186, OMIM 609053.

Allele frequency attached by ClinVar (database versions not stated): ExAC 0.00002; TOPMed 0.00002; gnomAD 0.00003 and 0.00004; gnomAD exomes 0.00004.
gnomAD v4.1: 14 of 1,612,904 alleles (0.00087%); highest among the groups gnomAD compares: East Asian, 0.027%; no homozygotes.

Submissions (3):

Ambry Genetics
Classification: Uncertain significance for Inborn genetic diseases. Last evaluated: 2025-08-27. Review status: criteria provided, single submitter. Criteria: Ambry Variant Classification Scheme 2023. Collection method: clinical testing. Allele origin: germline.

Labcorp Genetics (formerly Invitae), Labcorp
Classification: Uncertain significance for Fanconi anemia. Last evaluated: 2024-10-17. Review status: criteria provided, single submitter. Criteria: Invitae Variant Classification Sherloc (09022015). Collection method: clinical testing. Allele origin: germline.
Comment: This sequence change replaces histidine, which is basic and polar, with tyrosine, which is neutral and polar, at codon 1278 of the FANCI protein (p.His1278Tyr). This variant is present in population databases (rs776134519, gnomAD 0.07%). This variant has not been reported in the literature in individuals affected with FANCI-related conditions. ClinVar contains an entry for this variant (Variation ID: 456218). Invitae Evidence Modeling of protein sequence and biophysical properties (such as structural, functional, and spatial information, amino acid conservation, physicochemical variation, residue mobility, and thermodynamic stability) indicates that this missense variant is not expected to disrupt FANCI protein function with a negative predictive value of 80%. In summary, the available evidence is currently insufficient to determine the role of this variant in disease. Therefore, it has been classified as a Variant of Uncertain Significance.

Illumina Laboratory Services, Illumina
Classification: Uncertain significance for Fanconi anemia complementation group I. Last evaluated: 2018-03-23. Review status: criteria provided, single submitter. Criteria: ICSL Variant Classification Criteria 13 December 2019. Collection method: clinical testing. Allele origin: germline.